The following is an entry in ClinVar:

ClinVar aggregate classification (germline): Likely pathogenic (1 of 4 stars; one submission).

Conditions:
PMM2-congenital disorder of glycosylation. Also called: PMM2-CDG; JAEKEN SYNDROME; PHOSPHOMANNOMUTASE 2 DEFICIENCY; CARBOHYDRATE-DEFICIENT GLYCOPROTEIN SYNDROME, TYPE Ia; Congenital disorder of glycosylation, type Ia; CDG Ia. Identifiers: Orphanet 79318, MedGen C0349653, MONDO:0008907, OMIM 212065.

Submission:

Labcorp Genetics (formerly Invitae), Labcorp
Classification: Likely pathogenic for PMM2-congenital disorder of glycosylation. Last evaluated: 2020-06-26. Review status: criteria provided, single submitter. Criteria: Invitae Variant Classification Sherloc (09022015). Collection method: clinical testing. Allele origin: germline.
Comment: This sequence change affects an acceptor splice site in intron 2 of the PMM2 gene. It is expected to disrupt RNA splicing and likely results in an absent or disrupted protein product. This variant is not present in population databases (ExAC no frequency). This variant has not been reported in the literature in individuals with PMM2-related conditions. Algorithms developed to predict the effect of sequence changes on RNA splicing suggest that this variant may disrupt the consensus splice site, but this prediction has not been confirmed by published transcriptional studies. Donor and acceptor splice site variants typically lead to a loss of protein function (PMID: 16199547), and loss-of-function variants in PMM2 are known to be pathogenic (PMID: 19862844). In summary, the currently available evidence indicates that the variant is pathogenic, but additional data are needed to prove that conclusively. Therefore, this variant has been classified as Likely Pathogenic.

Literature cited by the submitters: PubMed 16199547; PubMed 19862844.

NM_000303.3(PMM2):c.179-2A>G

Gene: PMM2 (phosphomannomutase 2; plus strand). Cytogenetic location: 16p13.2.
Variant type: single nucleotide variant.
Coding change: c.179-2A>G on transcript NM_000303.3 (MANE Select); the canonical splice acceptor site of the intron before coding-DNA position 179, A replaced by G.
Molecular consequence: splice acceptor variant.
Genome position (GRCh38, 1-based): chr16:8,804,765, A>G. VCF-style: chr16-8804765-A-G. GRCh37 (hg19) VCF-style: chr16-8898622-A-G.
Identifiers: ClinVar variation 1067513 (VCV001067513.7), dbSNP rs2141019036, ClinGen allele CA394695754.